The following is an entry in ClinVar:

ClinVar aggregate classification (germline): Uncertain significance. Review status: criteria provided, multiple submitters, no conflicts (2 of 4 stars). 2 submissions from 2 submitters: Uncertain significance (2). Last evaluated 2025-03-04.

Conditions:
Inborn genetic diseases. Identifiers: MedGen C0950123, MeSH D030342.

Allele frequency attached by ClinVar (database versions not stated): TOPMed 0.00002.
gnomAD v4.1: 5 of 1,612,590 alleles (0.00031%); highest among the groups gnomAD compares: African/African-American, 0.004%; no homozygotes.

Submissions (2):

Ambry Genetics
Classification: Uncertain significance for Inborn genetic diseases. Last evaluated: 2025-03-04. Review status: criteria provided, single submitter. Criteria: Ambry Variant Classification Scheme 2023. Collection method: clinical testing. Allele origin: germline.

Labcorp Genetics (formerly Invitae), Labcorp
Classification: Uncertain significance. Last evaluated: 2022-02-08. Review status: criteria provided, single submitter. Criteria: Invitae Variant Classification Sherloc (09022015). Collection method: clinical testing. Allele origin: germline.
Comment: This sequence change replaces asparagine, which is neutral and polar, with serine, which is neutral and polar, at codon 359 of the ADSSL1 protein (p.Asn359Ser). This variant is not present in population databases (gnomAD no frequency). This variant has not been reported in the literature in individuals affected with ADSSL1-related conditions. Algorithms developed to predict the effect of missense changes on protein structure and function are either unavailable or do not agree on the potential impact of this missense change (SIFT: "Not Available"; PolyPhen-2: "Benign"; Align-GVGD: "Not Available"). In summary, the available evidence is currently insufficient to determine the role of this variant in disease. Therefore, it has been classified as a Variant of Uncertain Significance.

NM_152328.5(ADSS1):c.947A>G (p.Asn316Ser)

Gene: ADSS1 (adenylosuccinate synthase 1; plus strand). Cytogenetic location: 14q32.33.
Variant type: single nucleotide variant.
Coding change: c.947A>G on transcript NM_152328.5 (MANE Select); coding-DNA position 947, A replaced by G.
Protein change: p.Asn316Ser; replaces asparagine 316 with serine.
Molecular consequence: missense variant.
Genome position (GRCh38, 1-based): chr14:104,742,001, A>G. VCF-style: chr14-104742001-A-G. GRCh37 (hg19) VCF-style: chr14-105208338-A-G.
Other names: c.1076A>G (NM_199165.1); c.332A>G, p.Asn111Ser (NM_001320424.1); c.1076A>G, p.Asn359Ser (NM_199165.2); short protein forms N111S, N316S, N359S.
Identifiers: ClinVar variation 1681983 (VCV001681983.9), dbSNP rs372820652, ClinGen allele CA391242757.